The following is an entry in ClinVar:

NM_033380.3(COL4A5):c.3445G>C (p.Gly1149Arg)

Gene: COL4A5 (collagen type IV alpha 5 chain; plus strand). Cytogenetic location: Xq22.3.
Variant type: single nucleotide variant.
Coding change: c.3445G>C on transcript NM_033380.3 (MANE Select); coding-DNA position 3445, G replaced by C.
Protein change: p.Gly1149Arg; replaces glycine 1149 with arginine.
Molecular consequence: missense variant.
Genome position (GRCh38, 1-based): chrX:108,665,578, G>C. VCF-style: chrX-108665578-G-C. GRCh37 (hg19) VCF-style: chrX-107908808-G-C.
Other names: c.3445G>C, p.Gly1149Arg (NM_000495.5); short protein forms G1149R.
Identifiers: ClinVar variation 1066834 (VCV001066834.10), dbSNP rs2147953060, ClinGen allele CA413847400.
Genomic context (GRCh38, chrX:108,665,578, plus strand): 5'-CCTCCTGGACCAAAAGGTATTAGTGGCCCTCCTGGGAACCCCGGCCTTCCAGGAGAACCT[G>C]GTCCTGTAGGTAAGCATGAAAAATAACAGTTTGCTGTTTTATAAAACTAATGTTTATCAT-3'
Protein context (NP_203699.1, residues 1139-1159): PGNPGLPGEP[Gly1149Arg]PVGGGGHPGQ

ClinVar aggregate classification (germline): Likely pathogenic. Review status: criteria provided, multiple submitters, no conflicts (2 of 4 stars). 2 submissions from 2 submitters: Likely pathogenic (2). Last evaluated 2022-04-06.

Conditions:
X-linked Alport syndrome (ATS1). Also called: NEPHROPATHY AND DEAFNESS, X-LINKED; COL4A5-Related Nephropathy. Identifiers: Orphanet 63, Orphanet 88917, MedGen C4746986, MONDO:0010520, OMIM 301050.

Submissions (2):

Fulgent Genetics
Classification: Likely pathogenic for X-linked Alport syndrome. Last evaluated: 2022-04-06. Review status: criteria provided, single submitter. Criteria: ACMG Guidelines, 2015. Collection method: clinical testing. Allele origin: unknown.

Labcorp Genetics (formerly Invitae), Labcorp
Classification: Likely pathogenic. Last evaluated: 2020-03-12. Review status: criteria provided, single submitter. Criteria: Invitae Variant Classification Sherloc (09022015). Collection method: clinical testing. Allele origin: germline.
Comment: Glycine residues within the Gly-Xaa-Yaa repeats of the triple helix domain are required for the structure and stability of fibrillar collagens (PMID: 7695699, 8218237, 19344236). In COL4A5, missense variants at these glycine residues are significantly enriched in individuals with disease (PMID: 23720012, 27627812) compared to the general population (ExAC). In summary, the currently available evidence indicates that the variant is pathogenic, but additional data are needed to prove that conclusively. Therefore, this variant has been classified as Likely Pathogenic. This variant disrupts the p.Gly1149 amino acid residue in COL4A5. Other variant(s) that disrupt this residue have been observed in individuals with COL4A5-related conditions (PMID: 30577881), which suggests that this may be a clinically significant amino acid residue. This variant has not been reported in the literature in individuals with COL4A5-related conditions. This variant is not present in population databases (ExAC no frequency). This sequence change replaces glycine with arginine at codon 1149 of the COL4A5 protein (p.Gly1149Arg). The glycine residue is highly conserved and there is a moderate physicochemical difference between glycine and arginine.

Literature cited by the submitters: PubMed 7695699 (cited by Labcorp Genetics (formerly Invitae), Labcorp); PubMed 8218237 (cited by Labcorp Genetics (formerly Invitae), Labcorp); PubMed 19344236 (cited by Labcorp Genetics (formerly Invitae), Labcorp); PubMed 23720012 (cited by Labcorp Genetics (formerly Invitae), Labcorp); PubMed 27627812 (cited by Labcorp Genetics (formerly Invitae), Labcorp); PubMed 30577881 (cited by Labcorp Genetics (formerly Invitae), Labcorp).